The following is an entry in ClinVar:

ClinVar aggregate classification (germline): Conflicting classifications of pathogenicity. Review status: criteria provided, conflicting classifications (1 of 4 stars). 9 submissions from 9 submitters: Likely pathogenic (1); Uncertain significance (7). 1 of the submissions does not count toward it. Last evaluated 2025-03-10.

Conditions:
Nephrotic syndrome. Identifiers: MedGen C0027726, MONDO:0005377, HP:0000100.
Autosomal dominant Alport syndrome (ATS3A). Also called: Alport syndrome dominant type; Renal failure and sensorineural hearing loss; ALPORT SYNDROME 3A, AUTOSOMAL DOMINANT. Identifiers: Orphanet 63, Orphanet 88918, MedGen C5882663, MONDO:0007086, OMIM 104200.
Alport syndrome 3b, autosomal recessive. Identifiers: MedGen C5882699, MONDO:0957811, OMIM 620536.
Hematuria, benign familial, 2 (BFH2). Identifiers: MedGen C5830421, MONDO:0958186, OMIM 620320.

Allele frequency attached by ClinVar (database versions not stated): gnomAD 0.00001 and 0.00005; TOPMed 0.00002; 1000 Genomes Project 30x 0.00031; 1000 Genomes Project 0.00040.
gnomAD v4.1: 100 of 1,613,332 alleles (0.0062%); highest among the groups gnomAD compares: South Asian, 0.076%; 1 homozygote.

Submissions (9):

3billion
Classification: Uncertain significance for Alport syndrome 3b, autosomal recessive. Last evaluated: 2025-03-10. Review status: criteria provided, single submitter. Criteria: ACMG Guidelines, 2015. Collection method: clinical testing. Allele origin: germline. Affected: yes.

Blueprint Genetics
Classification: Uncertain significance. Last evaluated: 2024-10-15. Review status: criteria provided, single submitter. Criteria: ACMG Guidelines, 2015. Collection method: clinical testing. Allele origin: germline.

Labcorp Genetics (formerly Invitae), Labcorp
Classification: Uncertain significance. Last evaluated: 2024-07-01. Review status: criteria provided, single submitter. Criteria: Invitae Variant Classification Sherloc (09022015). Collection method: clinical testing. Allele origin: germline.
Comment: This sequence change replaces threonine, which is neutral and polar, with methionine, which is neutral and non-polar, at codon 255 of the COL4A3 protein (p.Thr255Met). This variant is present in population databases (rs573527081, gnomAD 0.06%). This missense change has been observed in individual(s) with clinical features of Alport syndrome (PMID: 30828794). ClinVar contains an entry for this variant (Variation ID: 626216). An algorithm developed to predict the effect of missense changes on protein structure and function (PolyPhen-2) suggests that this variant is likely to be disruptive. In summary, the available evidence is currently insufficient to determine the role of this variant in disease. Therefore, it has been classified as a Variant of Uncertain Significance.

Fulgent Genetics
Classification: Uncertain significance for Autosomal dominant Alport syndrome; Hematuria, benign familial, 2; Alport syndrome 3b, autosomal recessive. Last evaluated: 2024-04-05. Review status: criteria provided, single submitter. Criteria: ACMG Guidelines, 2015. Collection method: clinical testing. Allele origin: germline.

GeneDx
Classification: Uncertain significance. Last evaluated: 2024-01-26. Review status: criteria provided, single submitter. Criteria: GeneDx Variant Classification Process June 2021. Collection method: clinical testing. Allele origin: germline. Affected: yes.
Comment: Identified in a patient with congenital sensorineural hearing loss in published literature (PMID: 30828794); In silico analysis supports that this missense variant does not alter protein structure/function; This variant is associated with the following publications: (PMID: 34113375, 31009165, 28844315, 30828794)

Department of Pathology and Laboratory Medicine, Sinai Health System
Classification: Uncertain significance for Autosomal dominant Alport syndrome; Hematuria, benign familial, 2; Alport syndrome 3b, autosomal recessive. Last evaluated: 2023-01-12. Review status: criteria provided, single submitter. Criteria: ACMG Guidelines, 2015. Collection method: research. Allele origin: germline.

Women's Health and Genetics/Laboratory Corporation of America, LabCorp
Classification: Uncertain significance. Last evaluated: 2021-09-21. Review status: criteria provided, single submitter. Criteria: LabCorp Variant Classification Summary - May 2015. Collection method: clinical testing. Allele origin: germline.
Comment: Variant summary: COL4A3 c.764C>T (p.Thr255Met) results in a non-conservative amino acid change in the encoded protein sequence. Four of five in-silico tools predict a damaging effect of the variant on protein function. 4/4 computational tools predict no significant impact on normal splicing. However, these predictions have yet to be confirmed by functional studies. The variant allele was found at a frequency of 8.8e-05 in 249064 control chromosomes. This frequency is not significantly higher than expected for a pathogenic variant in COL4A3 causing Alport Syndrome, Autosomal Recessive (8.8e-05 vs 0.0019), allowing no conclusion about variant significance. These report(s) do not provide unequivocal conclusions about association of the variant with Autosomal Recessive Alport Syndrome. To our knowledge, no experimental evidence demonstrating an impact on protein function has been reported. Two clinical diagnostic laboratories have submitted clinical-significance assessments for this variant to ClinVar after 2014 without evidence for independent evaluation. One laboratory classified the variant as likely pathogenic, and one laboratory classified the variant as uncertain significance. Based on the evidence outlined above, the variant was classified as uncertain significance.

Santos-Cortez Lab, University of Colorado School of Medicine
Classification: Likely pathogenic for Autosomal dominant Alport syndrome. Last evaluated: 2019-01-17. Review status: criteria provided, single submitter. Criteria: Submitter's publication. Collection method: research. Allele origin: germline. Inheritance: Autosomal dominant inheritance. Affected: yes.

Sydney Genome Diagnostics, Children's Hospital Westmead
Classification: Uncertain significance for Nephrotic syndrome. Last evaluated: 2018-10-25. Review status: no assertion criteria provided. Collection method: clinical testing. Allele origin: unknown. Affected: yes. Observed: 1 variant allele, 1 heterozygote. Not counted in ClinVar's aggregate classification.
Comment: To our knowledge, this variant has not been previously reported in the literature to be associated with disease. It has been reported in ExAc with an allele frequency of less than 0.01%. In silico analysis (Alamut Visual v2.4) was inconclusive, with PolyPhen2, SIFT and Mutation Taster suggesting that this variant is likely to be pathogenic, however, Align GVGD and KD4v predict it to be benign.

Literature cited by the submitters: PubMed 28844315 (cited by 3billion and Women's Health and Genetics/Laboratory Corporation of America, LabCorp); PubMed 30828794 (cited by Labcorp Genetics (formerly Invitae), Labcorp and Women's Health and Genetics/Laboratory Corporation of America, LabCorp); PubMed 34113375 (cited by Women's Health and Genetics/Laboratory Corporation of America, LabCorp).

NM_000091.5(COL4A3):c.764C>T (p.Thr255Met)

Genes: MFF-DT (MFF divergent transcript; minus strand), COL4A3 (collagen type IV alpha 3 chain; plus strand). Cytogenetic location: 2q36.3.
Variant type: single nucleotide variant.
Coding change: c.764C>T on transcript NM_000091.5 (MANE Select); coding-DNA position 764, C replaced by T.
Protein change: p.Thr255Met; replaces threonine 255 with methionine.
Molecular consequence: missense variant.
Genome position (GRCh38, 1-based): chr2:227,253,637, C>T. VCF-style: chr2-227253637-C-T. GRCh37 (hg19) VCF-style: chr2-228118353-C-T.
Other names: short protein forms T255M.
Identifiers: ClinVar variation 626216 (VCV000626216.14), dbSNP rs573527081, ClinGen allele CA2146338.
Genomic context (GRCh38, chr2:227,253,637, plus strand): 5'-CAGGACCCCCGGGACCACCAGGAACAGTTATTGTGACCCTAACTGGCCCAGATAACAGAA[C>T]GGTAACTCTGCGATTTTATGATTAGTGTTGTGCCTTCCCGTGTCTAGGATGAAGTCCTTG-3'
Protein context (NP_000082.2, residues 245-265): IVTLTGPDNR[Thr255Met]DLKGEKGDKG